The following is an entry in ClinVar:

NM_000117.3(EMD):c.153dup (p.Ser52fs)

Gene: EMD (emerin; plus strand). Cytogenetic location: Xq28.
Variant type: Duplication.
Coding change: c.153dup on transcript NM_000117.3 (MANE Select); coding-DNA position 153, one base duplicated (C; older notation c.153dupC).
Protein change: p.Ser52fs; shifts the reading frame from serine 52.
Molecular consequence: frameshift variant.
Genome position (GRCh38, 1-based): chrX:154,379,760, C duplicated; the last of 6 consecutive C bases (chrX:154,379,755-154,379,760); duplicating any one gives the same sequence. VCF-style (leftmost placement, unchanged base first): chrX-154379754-G-GC. GRCh37 (hg19) VCF-style: chrX-153608114-G-GC.
Other names: c.153dupC (NM_000117.2); short protein forms S52fs.
Identifiers: ClinVar variation 234991 (VCV000234991.13), dbSNP rs876661345, ClinGen allele CA10581192.

ClinVar aggregate classification (germline): Pathogenic. Review status: criteria provided, multiple submitters, no conflicts (2 of 4 stars). 3 submissions from 3 submitters: Pathogenic (3). Last evaluated 2026-01-11.

Conditions:
Cardiovascular phenotype. Identifiers: MedGen CN230736.
X-linked Emery-Dreifuss muscular dystrophy. Also called: Muscular dystrophy, tardive Emery-Dreifuss type, with contractures. Identifiers: Orphanet 261, Orphanet 98863, MedGen C0751337, MONDO:0010680.

Submissions (3):

Labcorp Genetics (formerly Invitae), Labcorp
Classification: Pathogenic for X-linked Emery-Dreifuss muscular dystrophy. Last evaluated: 2026-01-11. Review status: criteria provided, single submitter. Criteria: Invitae Variant Classification Sherloc (09022015). Collection method: clinical testing. Allele origin: germline.
Comment: This sequence change creates a premature translational stop signal (p.Ser52Glnfs*9) in the EMD gene. It is expected to result in an absent or disrupted protein product. Loss-of-function variants in EMD are known to be pathogenic (PMID: 24365856). This variant is not present in population databases (gnomAD no frequency). This premature translational stop signal has been observed in individuals with Emery-Dreifuss muscular dystrophy and limb-girdle muscular dystrophy (PMID: 17620497, 21697856). This variant is also known as c.153_154insC. ClinVar contains an entry for this variant (Variation ID: 234991). For these reasons, this variant has been classified as Pathogenic.

Stanford Center for Inherited Cardiovascular Disease, Stanford University
Classification: Pathogenic. Last evaluated: 2013-07-31. Review status: criteria provided, single submitter. Criteria: ACMG Guidelines, 2015. Collection method: provider interpretation. Allele origin: germline.

Ambry Genetics
Classification: Pathogenic for Cardiovascular phenotype. Last evaluated: 2013-07-25. Review status: criteria provided, single submitter. Criteria: Ambry Autosomal Dominant and X-Linked criteria (10/2015). Collection method: clinical testing. Allele origin: germline. Observed: 1 variant allele.
Comment: The c.153dupC pathogenic mutation, located in coding exon 2 of the EMD gene, results from a duplication of cysteine at position 153, causing a translational frameshift with a predicted premature stop codon. This alteration was also identified in a series of patients referred for genetic testing due to a suspected diagnosis of Emery-Dreiffuss muscular dystrophy (EDMD). Authors identify exon 2 as a hot spot for mutations in the EMD gene (Brown etal. J. Hum. Genet. 2011;56:589-594). In addition, alterations causing a translational frameshift are typically deleterious in nature (ACMG Recommendations for Standards for Interpretation and Reporting of Sequence Variations. Revision 2007. Genet Med. 2008;10:294). Based on available evidence, this alteration is interpreted as a disease-causing mutation.

Literature cited by the submitters: PubMed 24365856 (cited by Labcorp Genetics (formerly Invitae), Labcorp); PubMed 17620497 (cited by Labcorp Genetics (formerly Invitae), Labcorp); PubMed 21697856 (cited by Labcorp Genetics (formerly Invitae), Labcorp).